The following is an entry in ClinVar:

ClinVar aggregate classification (germline): Uncertain significance (1 of 4 stars; one submission).

gnomAD v4.1: 1 of 1,613,156 alleles (0.000062%); highest among the groups gnomAD compares: Non-Finnish European, 0.000085%; no homozygotes.

Submission:

Ambry Genetics
Classification: Uncertain significance. Last evaluated: 2025-11-20. Review status: criteria provided, single submitter. Criteria: Ambry Variant Classification Scheme 2023. Collection method: clinical testing. Allele origin: germline.
Comment: The c.635G>A (p.C212Y) alteration is located in exon 6 (coding exon 6) of the ABLIM2 gene. This alteration results from a G to A substitution at nucleotide position 635, causing the cysteine (C) at amino acid position 212 to be replaced by a tyrosine (Y). Based on data from gnomAD, the A allele has an overall frequency of <0.001% (0/247484) total alleles studied. The highest observed frequency was <0.001% (/) of alleles. Based on insufficient or conflicting evidence, the clinical significance of this alteration remains unclear.

NM_001130083.2(ABLIM2):c.635G>A (p.Cys212Tyr)

Gene: ABLIM2 (actin binding LIM protein family member 2; minus strand). Cytogenetic location: 4p16.1.
Variant type: single nucleotide variant.
Coding change: c.635G>A on transcript NM_001130083.2 (MANE Select); coding-DNA position 635, G replaced by A.
Protein change: p.Cys212Tyr; replaces cysteine 212 with tyrosine.
Molecular consequence: missense variant.
Genome position (GRCh38, 1-based): chr4:8,077,668, C>T on the plus strand (G>A on the coding strand, the complement: ABLIM2 is on the minus strand). VCF-style: chr4-8077668-C-T. GRCh37 (hg19) VCF-style: chr4-8079395-C-T.
Other names: c.635G>A, p.Cys212Tyr (NM_001130084.2, NM_001130085.2, NM_001130086.2 and 3 more transcripts); short protein forms C212Y.
Identifiers: ClinVar variation 4636422 (VCV004636422.1).